The following is an entry in ClinVar:

ClinVar aggregate classification (germline): Uncertain significance (1 of 4 stars; one submission).

Conditions:
Inborn genetic diseases. Identifiers: MedGen C0950123, MeSH D030342.

Submission:

Ambry Genetics
Classification: Uncertain significance for Inborn genetic diseases. Last evaluated: 2026-04-06. Review status: criteria provided, single submitter. Criteria: Ambry Variant Classification Scheme 2023. Collection method: clinical testing. Allele origin: germline.
Comment: The p.S526N variant (also known as c.1577G>A), located in coding exon 17 of the RTEL1 gene, results from a G to A substitution at nucleotide position 1577. The serine at codon 526 is replaced by asparagine, an amino acid with highly similar properties. This amino acid position is conserved. In addition, this alteration is predicted to be tolerated by in silico analysis. Based on the available evidence, the clinical significance of this variant remains unclear.

NM_001283009.2(RTEL1):c.1577G>A (p.Ser526Asn)

Genes: RTEL1 (regulator of telomere elongation helicase 1; plus strand), RTEL1-TNFRSF6B (RTEL1-TNFRSF6B readthrough (NMD candidate); plus strand). Cytogenetic location: 20q13.33.
Variant type: single nucleotide variant.
Coding change: c.1577G>A on transcript NM_001283009.2 (MANE Select); coding-DNA position 1577, G replaced by A.
Protein change: p.Ser526Asn; replaces serine 526 with asparagine.
Molecular consequence: missense variant. On other transcripts: non-coding transcript variant (1).
Genome position (GRCh38, 1-based): chr20:63,688,032, G>A. VCF-style: chr20-63688032-G-A. GRCh37 (hg19) VCF-style: chr20-62319385-G-A.
Other names: c.908G>A, p.Ser303Asn (NM_001283010.1); c.1577G>A, p.Ser526Asn (NM_016434.4); c.1649G>A, p.Ser550Asn (NM_032957.5); short protein forms S303N, S526N, S550N.
Identifiers: ClinVar variation 4863542 (VCV004863542.1).